The following is an entry in ClinVar:

ClinVar aggregate classification (germline): Uncertain significance (1 of 4 stars; one submission).

Conditions:
Inborn genetic diseases. Identifiers: MedGen C0950123, MeSH D030342.

gnomAD v4.1: 1 of 1,614,070 alleles (0.000062%); highest among the groups gnomAD compares: Non-Finnish European, 0.000085%; no homozygotes.

Submission:

Ambry Genetics
Classification: Uncertain significance for Inborn genetic diseases. Last evaluated: 2023-05-18. Review status: criteria provided, single submitter. Criteria: Ambry Variant Classification Scheme 2023. Collection method: clinical testing. Allele origin: germline.
Comment: The p.I563V variant (also known as c.1687A>G), located in coding exon 7 of the ATR gene, results from an A to G substitution at nucleotide position 1687. The isoleucine at codon 563 is replaced by valine, an amino acid with highly similar properties. This amino acid position is conserved. In addition, this alteration is predicted to be tolerated by in silico analysis. Since supporting evidence is limited at this time, the clinical significance of this alteration remains unclear.

NM_001184.4(ATR):c.1687A>G (p.Ile563Val)

Gene: ATR (ATR checkpoint kinase; minus strand). Cytogenetic location: 3q23.
Variant type: single nucleotide variant.
Coding change: c.1687A>G on transcript NM_001184.4 (MANE Select); coding-DNA position 1687, A replaced by G.
Protein change: p.Ile563Val; replaces isoleucine 563 with valine.
Molecular consequence: missense variant.
Genome position (GRCh38, 1-based): chr3:142,559,296, T>C on the plus strand (A>G on the coding strand, the complement: ATR is on the minus strand). VCF-style: chr3-142559296-T-C. GRCh37 (hg19) VCF-style: chr3-142278138-T-C.
Other names: c.1495A>G, p.Ile499Val (NM_001354579.2); short protein forms I499V, I563V.
Identifiers: ClinVar variation 2561348 (VCV002561348.2), dbSNP rs745417729, ClinGen allele CA354821950.